The following is an entry in ClinVar:

ClinVar aggregate classification (germline): Pathogenic (1 of 4 stars; one submission).

Conditions:
Thrombophilia due to protein S deficiency, autosomal recessive (THPH6). Identifiers: Orphanet 743, MedGen C3281092, MONDO:0013791, OMIM 614514. Disease mechanism: loss of function.

Submission:

Labcorp Genetics (formerly Invitae), Labcorp
Classification: Pathogenic for Thrombophilia due to protein S deficiency, autosomal recessive. Last evaluated: 2019-08-20. Review status: criteria provided, single submitter. Criteria: Invitae Variant Classification Sherloc (09022015). Collection method: clinical testing. Allele origin: germline.
Comment: This variant is a gross deletion of the genomic region encompassing exons 1-3 of the PROS1 gene, which includes the initiator codon. The 5' end of this event is unknown as it extends beyond the assayed region for this gene and therefore may encompass additional genes. The 3' boundary is likely confined to intron 3 of the PROS1 gene. This is expected to result in an absent or disrupted protein product. This variant has not been reported in the literature in individuals with PROS1-related conditions. For these reasons, this variant has been classified as Pathogenic. Loss-of-function variants in PROS1 are known to be pathogenic (PMID: 9241758).

Literature cited by the submitters: PubMed 9241758.

NC_000003.12:g.(?_93924230)_(93973939_?)del

Gene: PROS1 (protein S; minus strand). Cytogenetic location: 3q11.1.
Variant type: Deletion.
Identifiers: ClinVar variation 831813 (VCV000831813.5).